The following is an entry in ClinVar:

NM_002485.5(NBN):c.1846-5_1846-2dup

Genes: NBN (nibrin; minus strand), LOC126860438 (MED14-independent group 3 enhancer GRCh37_chr8:90959982-90961181; plus strand). Cytogenetic location: 8q21.3.
Variant type: Duplication.
Coding change: c.1846-5_1846-2dup on transcript NM_002485.5 (MANE Select); 5 bases into the intron before coding-DNA position 1846 through the canonical splice acceptor site of the intron before coding-DNA position 1846, 4 bases duplicated (TTTA; older notation c.1846-5_1846-2dupTTTA).
Molecular consequence: splice acceptor variant.
Genome position (GRCh38, 1-based): chr8:89,947,894-89,947,897, TAAA duplicated on the plus strand (TTTA on the coding strand, the reverse complement: NBN is on the minus strand). VCF-style (leftmost placement, unchanged base first): chr8-89947893-C-CTAAA. GRCh37 (hg19) VCF-style: chr8-90960121-C-CTAAA.
Other names: c.1846-5_1846-2dupTTTA (NM_002485.4); c.1600-5_1600-2dup (NM_001024688.3).
Identifiers: ClinVar variation 550309 (VCV000550309.8), dbSNP rs1554556962, ClinGen allele CA658822449.

ClinVar aggregate classification (germline): Uncertain significance. Review status: criteria provided, single submitter (1 of 4 stars). 2 submissions from 2 submitters: Uncertain significance (1). 1 of the submissions does not count toward it. Last evaluated 2022-07-19.

Conditions:
Microcephaly, normal intelligence and immunodeficiency (NBS). Also called: Immunodeficiency, microcephaly with normal intelligence; IMMUNODEFICIENCY, MICROCEPHALY, AND CHROMOSOMAL INSTABILITY; BERLIN BREAKAGE SYNDROME; SEEMANOVA SYNDROME II; Ataxia telangiectasia variant V1; Nijmegen breakage syndrome. Identifiers: Orphanet 647, MedGen C0398791, MONDO:0009623, OMIM 251260.

Submissions (2):

Labcorp Genetics (formerly Invitae), Labcorp
Classification: Uncertain significance for Microcephaly, normal intelligence and immunodeficiency. Last evaluated: 2022-07-19. Review status: criteria provided, single submitter. Criteria: Invitae Variant Classification Sherloc (09022015). Collection method: clinical testing. Allele origin: germline.
Comment: This sequence change falls in intron 11 of the NBN gene. It does not directly change the encoded amino acid sequence of the NBN protein. This variant is not present in population databases (gnomAD no frequency). This variant has not been reported in the literature in individuals affected with NBN-related conditions. ClinVar contains an entry for this variant (Variation ID: 550309). Algorithms developed to predict the effect of sequence changes on RNA splicing suggest that this variant may disrupt the consensus splice site. In summary, the available evidence is currently insufficient to determine the role of this variant in disease. Therefore, it has been classified as a Variant of Uncertain Significance.

Counsyl
Classification: Uncertain significance for Microcephaly, normal intelligence and immunodeficiency. Last evaluated: 2017-01-05. Review status: no assertion criteria provided. Collection method: clinical testing. Allele origin: unknown. Not counted in ClinVar's aggregate classification.